The following is an entry in ClinVar:

ClinVar aggregate classification (germline): Pathogenic (1 of 4 stars; one submission).

Conditions:
Nemaline myopathy 2 (NEM2). Also called: Nemaline myopathy 2, autosomal recessive. Identifiers: MedGen C1850569, MONDO:0009725, OMIM 256030.

Submission:

Labcorp Genetics (formerly Invitae), Labcorp
Classification: Pathogenic for Nemaline myopathy 2. Last evaluated: 2023-07-19. Review status: criteria provided, single submitter. Criteria: Invitae Variant Classification Sherloc (09022015). Collection method: clinical testing. Allele origin: germline.
Comment: This sequence change creates a premature translational stop signal (p.Trp3811*) in the NEB gene. It is expected to result in an absent or disrupted protein product. Loss-of-function variants in NEB are known to be pathogenic (PMID: 25205138). This variant is not present in population databases (gnomAD no frequency). This variant has not been reported in the literature in individuals affected with NEB-related conditions. For these reasons, this variant has been classified as Pathogenic.

Literature cited by the submitters: PubMed 25205138.

NM_001164508.2(NEB):c.11432G>A (p.Trp3811Ter)

Gene: NEB (nebulin; minus strand). Cytogenetic location: 2q23.3.
Variant type: single nucleotide variant.
Coding change: c.11432G>A on transcript NM_001164508.2 (MANE Select); coding-DNA position 11432, G replaced by A.
Protein change: p.Trp3811Ter; replaces tryptophan 3811 with a stop codon.
Molecular consequence: nonsense.
Genome position (GRCh38, 1-based): chr2:151,614,445, C>T on the plus strand (G>A on the coding strand, the complement: NEB is on the minus strand). VCF-style: chr2-151614445-C-T. GRCh37 (hg19) VCF-style: chr2-152470959-C-T.
Other names: c.11432G>A, p.Trp3811Ter (NM_001164507.2, NM_001271208.2); c.10703G>A, p.Trp3568Ter (NM_004543.5); short protein forms W3568*, W3811*.
Identifiers: ClinVar variation 2744412 (VCV002744412.3), dbSNP rs2552230087, ClinGen allele CA348781861.